The following is an entry in ClinVar:

ClinVar aggregate classification (germline): Likely benign (1 of 4 stars; one submission).

Allele frequency attached by ClinVar (database versions not stated): TOPMed 0.00001; ExAC 0.00003; ESP Exome Variant Server 0.00008; gnomAD 0.00003; gnomAD exomes 0.00004.
gnomAD v4.1: 40 of 1,613,854 alleles (0.0025%); highest among the groups gnomAD compares: South Asian, 0.02%; no homozygotes.

Submission:

Mayo Clinic Laboratories, Mayo Clinic
Classification: Likely benign. Last evaluated: 2025-07-31. Review status: criteria provided, single submitter. Criteria: ACMG Guidelines, 2015. Collection method: clinical testing. Allele origin: germline. Observed: 3 variant alleles.
Comment: BP4, BP7

NM_001355436.2(SPTB):c.4002+23G>A

Gene: SPTB (spectrin beta, erythrocytic; minus strand). Cytogenetic location: 14q23.3.
Variant type: single nucleotide variant.
Coding change: c.4002+23G>A on transcript NM_001355436.2 (MANE Select); 23 bases into the intron after coding-DNA position 4002, G replaced by A.
Molecular consequence: intron variant.
Genome position (GRCh38, 1-based): chr14:64,784,224, C>T on the plus strand (G>A on the coding strand, the complement: SPTB is on the minus strand). VCF-style: chr14-64784224-C-T. GRCh37 (hg19) VCF-style: chr14-65250942-C-T.
Other names: p.?; c.4002+23G>A (NM_001024858.4, NM_001355437.2).
Identifiers: ClinVar variation 1163078 (VCV001163078.6), dbSNP rs369582874, ClinGen allele CA7230432.
Genomic context (GRCh38, chr14:64,784,224, plus strand): 5'-CAGGGTCCACACCCTGGGTGAAGCCCATCCAGGCAAGCCTATCTGAGCAGAGCACCCACC[C>T]GCCGCCCAATCACTTTACTTACCGCATCGATGTTCTCTAGCCACCCTTCATGGGAAGCCA-3'